The following is an entry in ClinVar:

ClinVar aggregate classification (germline): Uncertain significance (1 of 4 stars; one submission).

Conditions:
Hereditary cancer-predisposing syndrome. Also called: Tumor predisposition; Hereditary Cancer Syndrome; Neoplastic Syndromes, Hereditary; Hereditary neoplastic syndrome. Identifiers: Orphanet 140162, MedGen C0027672, MeSH D009386, MONDO:0015356.

Submission:

Ambry Genetics
Classification: Uncertain significance for Hereditary cancer-predisposing syndrome. Last evaluated: 2019-02-28. Review status: criteria provided, single submitter. Criteria: Ambry Variant Classification Scheme 2023. Collection method: clinical testing. Allele origin: germline.
Comment: The c.265_266insA variant, located in coding exon 2 of the POLD1 gene, results from an insertion of one nucleotide at position 265, causing a translational frameshift with a predicted alternate stop codon (p.P89Hfs*14). This alteration is expected to result in loss of function by premature protein truncation or nonsense-mediated mRNA decay. However, loss of function via haploinsufficiency in POLD1 has not been clearly established as a mechanism of disease. Since supporting evidence is limited at this time, the clinical significance of this alteration remains unclear.

NM_002691.4(POLD1):c.265_266insA (p.Pro89fs)

Gene: POLD1 (DNA polymerase delta 1, catalytic subunit; plus strand). Cytogenetic location: 19q13.33.
Variant type: Insertion.
Coding change: c.265_266insA on transcript NM_002691.4 (MANE Select); coding-DNA positions 265 to 266, A inserted.
Protein change: p.Pro89fs; shifts the reading frame from proline 89.
Molecular consequence: frameshift variant. On other transcripts: non-coding transcript variant (1).
Genome position: GRCh38 VCF-style: chr19-50399433-C-CA. GRCh37 (hg19) VCF-style: chr19-50902690-C-CA.
Other names: c.265_266insA, p.Pro89fs (NM_001256849.1, NM_001308632.1); short protein forms P89fs.
Identifiers: ClinVar variation 821630 (VCV000821630.4), dbSNP rs1601190749, ClinGen allele CA915951912.